The following is an entry in ClinVar:

ClinVar aggregate classification (germline): Uncertain significance. Review status: criteria provided, multiple submitters, no conflicts (2 of 4 stars). 2 submissions from 2 submitters: Uncertain significance (2). Last evaluated 2018-09-26.

Submissions (2):

Blueprint Genetics
Classification: Uncertain significance. Last evaluated: 2018-09-26. Review status: criteria provided, single submitter. Criteria: ACMG Guidelines, 2015. Collection method: clinical testing. Allele origin: germline.

Laboratory for Molecular Medicine, Mass General Brigham Personalized Medicine
Classification: Uncertain significance. Last evaluated: 2018-08-06. Review status: criteria provided, single submitter. Criteria: LMM Criteria. Collection method: clinical testing. Allele origin: germline. Inheritance: Autosomal dominant inheritance. Observed: 1 variant allele.
Comment: proposed classification - variant undergoing re-assessment, contact laboratory

NM_000257.4(MYH7):c.4354-2A>C

Genes: MHRT (myosin heavy chain associated RNA transcript; plus strand), MYH7 (myosin heavy chain 7; minus strand). Cytogenetic location: 14q11.2.
Variant type: single nucleotide variant.
Coding change: c.4354-2A>C on transcript NM_000257.4 (MANE Select); the canonical splice acceptor site of the intron before coding-DNA position 4354, A replaced by C.
Molecular consequence: splice acceptor variant. On other transcripts: non-coding transcript variant (1).
Genome position (GRCh38, 1-based): chr14:23,417,320, T>G on the plus strand (A>C on the coding strand, the complement: MYH7 is on the minus strand). VCF-style: chr14-23417320-T-G. GRCh37 (hg19) VCF-style: chr14-23886529-T-G.
Other names: c.4354-2A>C (NM_001407004.1).
Identifiers: ClinVar variation 179243 (VCV000179243.5), dbSNP rs727504734, ClinGen allele CA014878.